The following is an entry in ClinVar:

NM_000260.4(MYO7A):c.548C>A (p.Ser183Ter)

Gene: MYO7A (myosin VIIA; plus strand). Cytogenetic location: 11q13.5.
Variant type: single nucleotide variant.
Coding change: c.548C>A on transcript NM_000260.4 (MANE Select); coding-DNA position 548, C replaced by A.
Protein change: p.Ser183Ter; replaces serine 183 with a stop codon.
Molecular consequence: nonsense.
Genome position (GRCh38, 1-based): chr11:77,156,737, C>A. VCF-style: chr11-77156737-C-A. GRCh37 (hg19) VCF-style: chr11-76867783-C-A.
Other names: c.548C>A, p.Ser183Ter (NM_001127180.2); c.515C>A, p.Ser172Ter (NM_001369365.1); short protein forms S172*, S183*.
Identifiers: ClinVar variation 1725403 (VCV001725403.3), dbSNP rs781893704, ClinGen allele CA381931903.

ClinVar aggregate classification (germline): Likely pathogenic. Review status: criteria provided, multiple submitters, no conflicts (2 of 4 stars). 2 submissions from 2 submitters: Likely pathogenic (2). Last evaluated 2022-08-26.

Conditions:
Usher syndrome type 1 (USH1). Also called: RETINITIS PIGMENTOSA AND CONGENITAL DEAFNESS. Identifiers: Orphanet 231169, Orphanet 886, MedGen C1568247, MONDO:0010168, OMIM 276900.
MYO7A-related disorder. Also called: MYO7A-related disorders.

Submissions (2):

Blueprint Genetics
Classification: Likely pathogenic for MYO7A-related disorders. Last evaluated: 2022-08-26. Review status: criteria provided, single submitter. Criteria: ACMG Guidelines, 2015. Collection method: clinical testing. Allele origin: germline. Affected: yes. Observed: 1 variant allele.

Myriad Genetics, Inc.
Classification: Likely pathogenic for Usher syndrome type 1. Last evaluated: 2022-03-18. Review status: criteria provided, single submitter. Criteria: Myriad Women's Health Autosomal Recessive and X-Linked Classification Criteria (2021). Collection method: clinical testing. Allele origin: unknown.
Comment: NM_000260.3(MYO7A):c.548C>A(S183*) is expected to be pathogenic in the context of MYO7A-related disorders. This variant is predicted to lead to an abnormal or absent protein product due to the creation of a premature termination codon in MYO7A, a gene where loss-of-function variants are known to be pathogenic. Please note: this variant was assessed in the context of healthy population screening.